The following is an entry in ClinVar:

ClinVar aggregate classification (germline): Likely pathogenic (1 of 4 stars; one submission).

Conditions:
Acne inversa, familial, 1. Identifiers: MedGen C4551962, MONDO:0007728, OMIM 142690.

Submission:

Kasturba Medical College, Manipal, Kasturba Medical College, Manipal, Manipal Academy of Higher Education, Manipal, India
Classification: Likely pathogenic for Acne inversa, familial, 1. Review status: criteria provided, single submitter. Criteria: ACMG Guidelines, 2015. Collection method: research. Allele origin: unknown. Inheritance: Autosomal dominant inheritance. Affected: yes. Observed: 1 heterozygote.
Comment: This variant is absent in gnomAD population database and our in-house database of 1797 exomes. In-silico analysis tool, Mutation Taster predicts that the variant is deleterious. The clinical features observed in the proband are in concordance with acne inversa, familial, 1.

NM_015331.3(NCSTN):c.579del (p.Lys193fs)

Gene: NCSTN (nicastrin; plus strand). Cytogenetic location: 1q23.2.
Variant type: Deletion.
Coding change: c.579del on transcript NM_015331.3 (MANE Select); coding-DNA position 579, one base deleted (G; older notation c.579delG).
Protein change: p.Lys193fs; shifts the reading frame from lysine 193.
Molecular consequence: frameshift variant.
Genome position (GRCh38, 1-based): chr1:160,350,247, G deleted. VCF-style (leftmost placement, unchanged base first): chr1-160350246-AG-A. GRCh37 (hg19) VCF-style: chr1-160320036-AG-A.
Other names: c.519del, p.Lys173fs (NM_001290184.2); c.579del, p.Lys193fs (NM_001290186.2, NM_001349729.2); short protein forms K173fs, K193fs.
Identifiers: ClinVar variation 4082100 (VCV004082100.1).